The following is an entry in ClinVar:

NM_020843.4(SCAPER):c.3172G>T (p.Ala1058Ser)

Genes: SCAPER (S-phase cyclin A associated protein in the ER; minus strand), LOC126862183 (BRD4-independent group 4 enhancer GRCh37_chr15:76726060-76727259; plus strand). Cytogenetic location: 15q24.3.
Variant type: single nucleotide variant.
Coding change: c.3172G>T on transcript NM_020843.4 (MANE Select); coding-DNA position 3172, G replaced by T.
Protein change: p.Ala1058Ser; replaces alanine 1058 with serine.
Molecular consequence: missense variant. On other transcripts: non-coding transcript variant (1).
Genome position (GRCh38, 1-based): chr15:76,434,217, C>A on the plus strand (G>T on the coding strand, the complement: SCAPER is on the minus strand). VCF-style: chr15-76434217-C-A. GRCh37 (hg19) VCF-style: chr15-76726558-C-A.
Other names: c.3190G>T (NM_001353009.1); c.2434G>T, p.Ala812Ser (NM_001145923.2); c.3190G>T, p.Ala1064Ser (NM_001353009.2); c.2770G>T, p.Ala924Ser (NM_001353010.2, NM_001353012.2); c.2788G>T, p.Ala930Ser (NM_001353011.2); short protein forms A1064S, A930S, A1058S, A812S, A924S.
Identifiers: ClinVar variation 4160252 (VCV004160252.2).

ClinVar aggregate classification (germline): Uncertain significance. Review status: criteria provided, multiple submitters, no conflicts (2 of 4 stars). 2 submissions from 2 submitters: Uncertain significance (2). Last evaluated 2026-03-03.

Conditions:
Inborn genetic diseases. Identifiers: MedGen C0950123, MeSH D030342.
SCAPER-related disorder. Also called: SCAPER-related condition.

gnomAD v4.1: 16 of 1,613,944 alleles (0.00099%); highest among the groups gnomAD compares: Non-Finnish European, 0.0013%; no homozygotes.

Submissions (2):

PreventionGenetics, part of Exact Sciences
Classification: Uncertain significance for SCAPER-related condition. Last evaluated: 2026-03-03. Review status: criteria provided, single submitter. Criteria: ACMG Guidelines, 2015. Collection method: clinical testing. Allele origin: germline.
Comment: The SCAPER c.3190G>T variant is predicted to result in the amino acid substitution p.Ala1064Ser. To our knowledge, this variant has not been reported in the literature or in a large population database (gnomAD), indicating this variant is rare. At this time, the clinical significance of this variant is uncertain due to the absence of conclusive functional and genetic evidence.

Ambry Genetics
Classification: Uncertain significance for Inborn genetic diseases. Last evaluated: 2025-09-11. Review status: criteria provided, single submitter. Criteria: Ambry Variant Classification Scheme 2023. Collection method: clinical testing. Allele origin: germline.